The following is an entry in ClinVar:

ClinVar aggregate classification (germline): Uncertain significance. Review status: criteria provided, multiple submitters, no conflicts (2 of 4 stars). 2 submissions from 2 submitters: Uncertain significance (2). Last evaluated 2026-02-01.

Allele frequency attached by ClinVar (database versions not stated): gnomAD 0.00001; gnomAD exomes 0.00006; TOPMed 0.00001.
gnomAD v4.1: 83 of 1,613,488 alleles (0.0051%); highest among the groups gnomAD compares: East Asian, 0.011%; no homozygotes.

Submissions (2):

Labcorp Genetics (formerly Invitae), Labcorp
Classification: Uncertain significance. Last evaluated: 2026-02-01. Review status: criteria provided, single submitter. Criteria: Invitae Variant Classification Sherloc (09022015). Collection method: clinical testing. Allele origin: germline.
Comment: This sequence change replaces asparagine, which is neutral and polar, with serine, which is neutral and polar, at codon 165 of the KLHL9 protein (p.Asn165Ser). This variant is present in population databases (no rsID available, gnomAD 0.02%). This variant has not been reported in the literature in individuals affected with KLHL9-related conditions. ClinVar contains an entry for this variant (Variation ID: 2508144). Invitae Evidence Modeling of protein sequence and biophysical properties (such as structural, functional, and spatial information, amino acid conservation, physicochemical variation, residue mobility, and thermodynamic stability) indicates that this missense variant is not expected to disrupt KLHL9 protein function with a negative predictive value of 80%. In summary, the available evidence is currently insufficient to determine the role of this variant in disease. Therefore, it has been classified as a Variant of Uncertain Significance.

Ambry Genetics
Classification: Uncertain significance. Last evaluated: 2023-06-02. Review status: criteria provided, single submitter. Criteria: Ambry Variant Classification Scheme 2023. Collection method: clinical testing. Allele origin: germline.

NM_018847.4(KLHL9):c.494A>G (p.Asn165Ser)

Gene: KLHL9 (kelch like family member 9; minus strand). Cytogenetic location: 9p21.3.
Variant type: single nucleotide variant.
Coding change: c.494A>G on transcript NM_018847.4 (MANE Select); coding-DNA position 494, A replaced by G.
Protein change: p.Asn165Ser; replaces asparagine 165 with serine.
Molecular consequence: missense variant.
Genome position (GRCh38, 1-based): chr9:21,334,366, T>C on the plus strand (A>G on the coding strand, the complement: KLHL9 is on the minus strand). VCF-style: chr9-21334366-T-C. GRCh37 (hg19) VCF-style: chr9-21334365-T-C.
Other names: short protein forms N165S.
Identifiers: ClinVar variation 2508144 (VCV002508144.5), dbSNP rs1328614858, ClinGen allele CA373072566.